The following is an entry in ClinVar:

NM_198253.3(TERT):c.932C>T (p.Ser311Leu)

Gene: TERT (telomerase reverse transcriptase; minus strand). Cytogenetic location: 5p15.33.
Variant type: single nucleotide variant.
Coding change: c.932C>T on transcript NM_198253.3 (MANE Select); coding-DNA position 932, C replaced by T.
Protein change: p.Ser311Leu; replaces serine 311 with leucine.
Molecular consequence: missense variant. On other transcripts: non-coding transcript variant (2).
Genome position (GRCh38, 1-based): chr5:1,293,954, G>A on the plus strand (C>T on the coding strand, the complement: TERT is on the minus strand). VCF-style: chr5-1293954-G-A. GRCh37 (hg19) VCF-style: chr5-1294069-G-A.
Other names: c.932C>T (NM_198253.2); c.932C>T, p.Ser311Leu (NM_001193376.3); short protein forms S311L.
Identifiers: ClinVar variation 1038001 (VCV001038001.12), dbSNP rs974018889, ClinGen allele CA112914863.
Genomic context (GRCh38, chr5:1,293,954, plus strand): 5'-AAGTGCTTGGTCTCGGCGTACACCGGGGGACAAGGCGTGTCCCAGGGACGTGGTGGCCGC[G>A]ATGTGGATGGGGGGCCCGCGTGGTGCTGGCGGCCCACGGATGGGTGGGAGTGGCGCGTGC-3'
Protein context (NP_937983.2, residues 301-321): RQHHAGPPST[Ser311Leu]RPPRPWDTPC

ClinVar aggregate classification (germline): Uncertain significance. Review status: criteria provided, multiple submitters, no conflicts (2 of 4 stars). 3 submissions from 3 submitters: Uncertain significance (3). Last evaluated 2023-10-03.

Conditions:
Idiopathic Pulmonary Fibrosis. Also called: Idiopathic fibrosing alveolitis, chronic form; idiopathic fibrosing alveolitis. Identifiers: Orphanet 2032, MedGen C1800706, MeSH D054990, MONDO:0800504.
Dyskeratosis congenita, autosomal dominant 2. Identifiers: MedGen C3151443, MONDO:0013521, OMIM 613989.
Dyskeratosis congenita. Identifiers: Orphanet 1775, MedGen C0265965, MONDO:0015780.

Allele frequency attached by ClinVar (database versions not stated): gnomAD exomes below 0.00001.
gnomAD v4.1: 1 of 1,551,742 alleles (0.000064%); highest among the groups gnomAD compares: African/African-American, 0.0014%; no homozygotes.

Submissions (3):

GeneDx
Classification: Uncertain significance. Last evaluated: 2023-10-03. Review status: criteria provided, single submitter. Criteria: GeneDx Variant Classification Process June 2021. Collection method: clinical testing. Allele origin: germline. Affected: yes.
Comment: Not observed at significant frequency in large population cohorts (gnomAD); In silico analysis supports that this missense variant does not alter protein structure/function; Has not been previously published as pathogenic or benign to our knowledge

Labcorp Genetics (formerly Invitae), Labcorp
Classification: Uncertain significance for Dyskeratosis congenita, autosomal dominant 2; Idiopathic Pulmonary Fibrosis. Last evaluated: 2023-04-24. Review status: criteria provided, single submitter. Criteria: Invitae Variant Classification Sherloc (09022015). Collection method: clinical testing. Allele origin: germline.
Comment: In summary, the available evidence is currently insufficient to determine the role of this variant in disease. Therefore, it has been classified as a Variant of Uncertain Significance. Advanced modeling of protein sequence and biophysical properties (such as structural, functional, and spatial information, amino acid conservation, physicochemical variation, residue mobility, and thermodynamic stability) performed at Invitae indicates that this missense variant is not expected to disrupt TERT protein function. ClinVar contains an entry for this variant (Variation ID: 1038001). This variant has not been reported in the literature in individuals affected with TERT-related conditions. This variant is not present in population databases (gnomAD no frequency). This sequence change replaces serine, which is neutral and polar, with leucine, which is neutral and non-polar, at codon 311 of the TERT protein (p.Ser311Leu).

Ambry Genetics
Classification: Uncertain significance for Dyskeratosis congenita. Last evaluated: 2023-02-23. Review status: criteria provided, single submitter. Criteria: Ambry Variant Classification Scheme 2023. Collection method: clinical testing. Allele origin: germline.
Comment: The p.S311L variant (also known as c.932C>T), located in coding exon 2 of the TERT gene, results from a C to T substitution at nucleotide position 932. The serine at codon 311 is replaced by leucine, an amino acid with dissimilar properties. This amino acid position is conserved. In addition, this alteration is predicted to be tolerated by in silico analysis. Since supporting evidence is limited at this time, the clinical significance of this alteration remains unclear.